The following is an entry in ClinVar:

NM_004629.2(FANCG):c.65G>C (p.Arg22Pro)

Gene: FANCG (FA complementation group G; minus strand). Cytogenetic location: 9p13.3.
Variant type: single nucleotide variant.
Coding change: c.65G>C on transcript NM_004629.2 (MANE Select); coding-DNA position 65, G replaced by C.
Protein change: p.Arg22Pro; replaces arginine 22 with proline.
Molecular consequence: missense variant.
Genome position (GRCh38, 1-based): chr9:35,079,460, C>G on the plus strand (G>C on the coding strand, the complement: FANCG is on the minus strand). VCF-style: chr9-35079460-C-G. GRCh37 (hg19) VCF-style: chr9-35079457-C-G.
Other names: short protein forms R22P.
Identifiers: ClinVar variation 929682 (VCV000929682.1), dbSNP rs1829144428, ClinGen allele CA373315913.

ClinVar aggregate classification (germline): Pathogenic (0 of 4 stars; one submission).

Conditions:
Fanconi anemia complementation group G. Also called: FANCG-Related Fanconi Anemia; Fanconi anemia group G. Identifiers: Orphanet 84, MedGen C3469527, MONDO:0013565, OMIM 614082.

Submission:

Leiden Open Variation Database
Classification: Pathogenic for Fanconi anemia complementation group G. Last evaluated: 2012-04-08. Review status: no assertion criteria provided. Collection method: curation. Allele origin: germline. Affected: yes.
Comment: Curator: Arleen D. Auerbach. Submitters to LOVD: Arleen D. Auerbach, Johan de Winter.

Literature cited by the submitters: PubMed 12552564; PubMed 22778927.